The following is an entry in ClinVar:

NM_001374828.1(ARID1B):c.1036A>T (p.Met346Leu)

Gene: ARID1B (AT-rich interaction domain 1B; plus strand). Cytogenetic location: 6q25.3.
Variant type: single nucleotide variant.
Coding change: c.1036A>T on transcript NM_001374828.1 (MANE Select); coding-DNA position 1036, A replaced by T.
Protein change: p.Met346Leu; replaces methionine 346 with leucine.
Molecular consequence: missense variant.
Genome position (GRCh38, 1-based): chr6:156,778,716, A>T. VCF-style: chr6-156778716-A-T. GRCh37 (hg19) VCF-style: chr6-157099850-A-T.
Other names: c.1036A>T, p.Met346Leu (NM_001371656.1, NM_001374820.1, NM_017519.3); c.787A>T, p.Met263Leu (NM_020732.3, NM_001346813.1); c.613A>T, p.Met205Leu (NM_175863.2); short protein forms M205L, M346L, M263L.
Identifiers: ClinVar variation 1760988 (VCV001760988.4), dbSNP rs1164896895, ClinGen allele CA366382893.
Genomic context (GRCh38, chr6:156,778,716, plus strand): 5'-GGCCCCGGCGGCCGCGCTGGGCCTTGCTTTGATCAACATGGCGGACAACAAAGCCCCGGG[A>T]TGGGGATGATGCACTCCGCCTCCGCCGCCGCCGCCGGGGCCCCCGGCAGCATGGACCCCC-3'
Protein context (NP_001361757.1, residues 336-356): DQHGGQQSPG[Met346Leu]GMMHSASAAA

ClinVar aggregate classification (germline): Conflicting classifications of pathogenicity. Review status: criteria provided, conflicting classifications (1 of 4 stars). 2 submissions from 2 submitters: Uncertain significance (1); Benign (1). Last evaluated 2024-10-02.

Conditions:
Inborn genetic diseases. Identifiers: MedGen C0950123, MeSH D030342.

Allele frequency attached by ClinVar (database versions not stated): gnomAD exomes 0.00002.

Submissions (2):

Labcorp Genetics (formerly Invitae), Labcorp
Classification: Benign. Last evaluated: 2024-10-02. Review status: criteria provided, single submitter. Criteria: Invitae Variant Classification Sherloc (09022015). Collection method: clinical testing. Allele origin: germline.

Ambry Genetics
Classification: Uncertain significance for Inborn genetic diseases. Last evaluated: 2017-10-25. Review status: criteria provided, single submitter. Criteria: Ambry Variant Classification Scheme 2023. Collection method: clinical testing. Allele origin: germline.
Comment: The p.M263L variant (also known as c.787A>T), located in coding exon 1 of the ARID1B gene, results from an A to T substitution at nucleotide position 787. The methionine at codon 263 is replaced by leucine, an amino acid with highly similar properties. This amino acid position is well conserved in available vertebrate species. In addition, this alteration is predicted to be tolerated by in silico analysis. Since supporting evidence is limited at this time, the clinical significance of this alteration remains unclear.